The following is an entry in ClinVar:

ClinVar aggregate classification (germline): Uncertain significance. Review status: criteria provided, multiple submitters, no conflicts (2 of 4 stars). 2 submissions from 2 submitters: Uncertain significance (2). Last evaluated 2024-04-23.

Conditions:
Inborn genetic diseases. Identifiers: MedGen C0950123, MeSH D030342.

Allele frequency attached by ClinVar (database versions not stated): TOPMed 0.00001; ESP Exome Variant Server 0.00008.
gnomAD v4.1: 2 of 1,613,676 alleles (0.00012%); highest among the groups gnomAD compares: African/African-American, 0.0027%; no homozygotes.

Submissions (2):

Ambry Genetics
Classification: Uncertain significance for Inborn genetic diseases. Last evaluated: 2024-04-23. Review status: criteria provided, single submitter. Criteria: Ambry Variant Classification Scheme 2023. Collection method: clinical testing. Allele origin: germline.

Labcorp Genetics (formerly Invitae), Labcorp
Classification: Uncertain significance. Last evaluated: 2023-12-13. Review status: criteria provided, single submitter. Criteria: Invitae Variant Classification Sherloc (09022015). Collection method: clinical testing. Allele origin: germline.
Comment: This sequence change replaces glycine, which is neutral and non-polar, with arginine, which is basic and polar, at codon 2239 of the VCAN protein (p.Gly2239Arg). This variant is not present in population databases (gnomAD no frequency). This variant has not been reported in the literature in individuals affected with VCAN-related conditions. ClinVar contains an entry for this variant (Variation ID: 961757). An algorithm developed to predict the effect of missense changes on protein structure and function (PolyPhen-2) suggests that this variant is likely to be disruptive. In summary, the available evidence is currently insufficient to determine the role of this variant in disease. Therefore, it has been classified as a Variant of Uncertain Significance.

NM_004385.5(VCAN):c.6715G>C (p.Gly2239Arg)

Genes: VCAN (versican; plus strand), VCAN-AS1 (VCAN antisense RNA 1; minus strand). Cytogenetic location: 5q14.3.
Variant type: single nucleotide variant.
Coding change: c.6715G>C on transcript NM_004385.5 (MANE Select); coding-DNA position 6715, G replaced by C.
Protein change: p.Gly2239Arg; replaces glycine 2239 with arginine.
Molecular consequence: missense variant. On other transcripts: intron variant (2).
Genome position (GRCh38, 1-based): chr5:83,539,718, G>C. VCF-style: chr5-83539718-G-C. GRCh37 (hg19) VCF-style: chr5-82835537-G-C.
Other names: c.3754G>C, p.Gly1252Arg (NM_001164097.2); c.4004-5819G>C (NM_001164098.2); c.1043-5819G>C (NM_001126336.3); short protein forms G1252R, G2239R.
Identifiers: ClinVar variation 961757 (VCV000961757.10), dbSNP rs146860225, ClinGen allele CA121810432.